The following is an entry in ClinVar:

NM_005591.4(MRE11):c.1308C>G (p.Tyr436Ter)

Gene: MRE11 (MRE11 double strand break repair nuclease; minus strand). Cytogenetic location: 11q21.
Variant type: single nucleotide variant.
Coding change: c.1308C>G on transcript NM_005591.4 (MANE Select); coding-DNA position 1308, C replaced by G.
Protein change: p.Tyr436Ter; replaces tyrosine 436 with a stop codon.
Molecular consequence: nonsense.
Genome position (GRCh38, 1-based): chr11:94,460,954, G>C on the plus strand (C>G on the coding strand, the complement: MRE11 is on the minus strand). VCF-style: chr11-94460954-G-C. GRCh37 (hg19) VCF-style: chr11-94194120-G-C.
Other names: c.1308C>G, p.Tyr436Ter (NM_001330347.2, NM_005590.4); short protein forms Y436*.
Identifiers: ClinVar variation 2855271 (VCV002855271.3), dbSNP rs759680878, ClinGen allele CA382372306.

ClinVar aggregate classification (germline): Pathogenic (1 of 4 stars; one submission).

Conditions:
Ataxia-telangiectasia-like disorder (ATLD). Identifiers: MedGen C1858391, MONDO:0011457.

Submission:

Labcorp Genetics (formerly Invitae), Labcorp
Classification: Pathogenic for Ataxia-telangiectasia-like disorder. Last evaluated: 2023-04-11. Review status: criteria provided, single submitter. Criteria: Invitae Variant Classification Sherloc (09022015). Collection method: clinical testing. Allele origin: germline.
Comment: For these reasons, this variant has been classified as Pathogenic. This variant has not been reported in the literature in individuals affected with MRE11-related conditions. This variant is not present in population databases (gnomAD no frequency). This sequence change creates a premature translational stop signal (p.Tyr436*) in the MRE11 gene. It is expected to result in an absent or disrupted protein product. Loss-of-function variants in MRE11 are known to be pathogenic (PMID: 23080121, 23912341).

Literature cited by the submitters: PubMed 23080121; PubMed 23912341.